The following is an entry in ClinVar:

NM_022773.4(LMF1):c.779G>C (p.Trp260Ser)

Gene: LMF1 (lipase maturation factor 1; minus strand). Cytogenetic location: 16p13.3.
Variant type: single nucleotide variant.
Coding change: c.779G>C on transcript NM_022773.4 (MANE Select); coding-DNA position 779, G replaced by C.
Protein change: p.Trp260Ser; replaces tryptophan 260 with serine.
Molecular consequence: missense variant. On other transcripts: non-coding transcript variant (1).
Genome position (GRCh38, 1-based): chr16:879,688, C>G on the plus strand (G>C on the coding strand, the complement: LMF1 is on the minus strand). VCF-style: chr16-879688-C-G. GRCh37 (hg19) VCF-style: chr16-929688-C-G.
Other names: c.128G>C, p.Trp43Ser (NM_001352017.2, NM_001352021.2); c.380G>C, p.Trp127Ser (NM_001352018.2); c.452G>C, p.Trp151Ser (NM_001352019.2); c.779G>C, p.Trp260Ser (NM_001352020.1); short protein forms W43S, W127S, W151S, W260S.
Identifiers: ClinVar variation 1760669 (VCV001760669.2), dbSNP rs1194461279, ClinGen allele CA394131852.

ClinVar aggregate classification (germline): Uncertain significance (1 of 4 stars; one submission).

Conditions:
Cardiovascular phenotype. Identifiers: MedGen CN230736.

Allele frequency attached by ClinVar (database versions not stated): gnomAD 0.00001; gnomAD exomes 0.00001; TOPMed 0.00001.
gnomAD v4.1: 8 of 1,606,116 alleles (0.0005%); highest among the groups gnomAD compares: Admixed American, 0.0085%; no homozygotes.

Submission:

Ambry Genetics
Classification: Uncertain significance for Cardiovascular phenotype. Last evaluated: 2022-04-09. Review status: criteria provided, single submitter. Criteria: Ambry Variant Classification Scheme 2023. Collection method: clinical testing. Allele origin: germline.
Comment: The p.W260S variant (also known as c.779G>C), located in coding exon 6 of the LMF1 gene, results from a G to C substitution at nucleotide position 779. The tryptophan at codon 260 is replaced by serine, an amino acid with highly dissimilar properties. This amino acid position is conserved. In addition, this alteration is predicted to be tolerated by in silico analysis. Since supporting evidence is limited at this time, the clinical significance of this alteration remains unclear.